The following is an entry in ClinVar:

NM_004415.4(DSP):c.117G>T (p.Arg39Ser)

Genes: DSP-AS1 (DSP antisense RNA 1; minus strand), DSP (desmoplakin; plus strand). Cytogenetic location: 6p24.3.
Variant type: single nucleotide variant.
Coding change: c.117G>T on transcript NM_004415.4 (MANE Select); coding-DNA position 117, G replaced by T.
Protein change: p.Arg39Ser; replaces arginine 39 with serine.
Molecular consequence: missense variant.
Genome position (GRCh38, 1-based): chr6:7,542,032, G>T. VCF-style: chr6-7542032-G-T. GRCh37 (hg19) VCF-style: chr6-7542265-G-T.
Other names: c.117G>T, p.Arg39Ser (NM_001008844.3, NM_001319034.2); c.117G>T (NM_004415.3); short protein forms R39S.
Identifiers: ClinVar variation 923801 (VCV000923801.18), dbSNP rs748578019, ClinGen allele CA133980184.
Genomic context (GRCh38, chr6:7,542,032, plus strand): 5'-CGCCGAGTCTGGCCCGGACCTGCGCTACGAGGTGACCAGCGGCGGCGGGGGCACCAGCAG[G>T]ATGTACTATTCTCGGCGCGGCGTGATCACCGACCAGAACTCGGACGGCTACTGGTGGGTA-3'
Protein context (NP_004406.2, residues 29-49): EVTSGGGGTS[Arg39Ser]MYYSRRGVIT

ClinVar aggregate classification (germline): Conflicting classifications of pathogenicity. Review status: criteria provided, conflicting classifications (1 of 4 stars). 6 submissions from 6 submitters: Uncertain significance (5); Likely benign (1). Last evaluated 2024-11-19.

Conditions:
Arrhythmogenic cardiomyopathy with wooly hair and keratoderma. Also called: PALMOPLANTAR KERATODERMA WITH LEFT VENTRICULAR CARDIOMYOPATHY AND WOOLLY HAIR; Carvajal syndrome; Dilated cardiomyopathy with woolly hair and keratoderma; Arrhythmogenic cardiomyopathy with woolly hair and keratoderma. Identifiers: Orphanet 65282, MedGen C1854063, MONDO:0011581, OMIM 605676.
Cardiovascular phenotype. Identifiers: MedGen CN230736.
Arrhythmogenic right ventricular dysplasia 8 (ARVD8). Also called: Arrhythmogenic Right Ventricular Dysplasia/Cardiomyopathy 8; ARRHYTHMOGENIC RIGHT VENTRICULAR DYSPLASIA, FAMILIAL, 8; ARRHYTHMOGENIC RIGHT VENTRICULAR CARDIOMYOPATHY 8. Identifiers: MedGen C1843896, MONDO:0011831, OMIM 607450.
Cardiomyopathy (CMYO). Also called: Cardiomyopathies. Identifiers: Orphanet 167848, MedGen C0878544, MONDO:0004994, HP:0001638. Inheritance: Various modes of inheritance.

Allele frequency attached by ClinVar (database versions not stated): gnomAD exomes 0.00001.
gnomAD v4.1: 39 of 1,580,758 alleles (0.0025%); highest among the groups gnomAD compares: Non-Finnish European, 0.0032%; no homozygotes.

Submissions (6):

Labcorp Genetics (formerly Invitae), Labcorp
Classification: Likely benign for Arrhythmogenic cardiomyopathy with wooly hair and keratoderma; Arrhythmogenic right ventricular dysplasia 8. Last evaluated: 2024-11-19. Review status: criteria provided, single submitter. Criteria: Invitae Variant Classification Sherloc (09022015). Collection method: clinical testing. Allele origin: germline.

Ambry Genetics
Classification: Uncertain significance for Cardiovascular phenotype. Last evaluated: 2024-08-07. Review status: criteria provided, single submitter. Criteria: Ambry Variant Classification Scheme 2023. Collection method: clinical testing. Allele origin: germline.
Comment: The p.R39S variant (also known as c.117G>T), located in coding exon 1 of the DSP gene, results from a G to T substitution at nucleotide position 117. The arginine at codon 39 is replaced by serine, an amino acid with dissimilar properties. This amino acid position is well conserved in available vertebrate species. In addition, this alteration is predicted to be tolerated by in silico analysis. Since supporting evidence is limited at this time, the clinical significance of this alteration remains unclear.

All of Us Research Program, National Institutes of Health
Classification: Uncertain significance for Arrhythmogenic cardiomyopathy with wooly hair and keratoderma. Last evaluated: 2024-08-06. Review status: criteria provided, single submitter. Criteria: ACMG Guidelines, 2015. Collection method: clinical testing. Allele origin: germline. Inheritance: Autosomal dominant inheritance. Observed: 8 variant alleles, 8 heterozygotes.
Comment: This missense variant replaces arginine with serine at codon 39 of the DSP protein. Computational prediction suggests that this variant may not impact protein structure and function (internally defined REVEL score threshold <= 0.5, PMID: 27666373). To our knowledge, functional studies have not been reported for this variant. This variant has not been reported in individuals affected with DSP-related disorders in the literature. This variant has been identified in 2/186636 chromosomes in the general population by the Genome Aggregation Database (gnomAD). The available evidence is insufficient to determine the role of this variant in disease conclusively. Therefore, this variant is classified as a Variant of Uncertain Significance.

This study involves interpretation of variants in research participants for the purpose of population health screening. Participant phenotype was not available at the time of variant classification. Additional details can be found in publication PMID: 35346344, PMCID: PMC8962531

Color Diagnostics, LLC DBA Color Health
Classification: Uncertain significance for Cardiomyopathy. Last evaluated: 2024-02-13. Review status: criteria provided, single submitter. Criteria: ACMG Guidelines, 2015. Collection method: clinical testing. Allele origin: germline.
Comment: This missense variant replaces arginine with serine at codon 39 of the DSP protein. Computational prediction tools indicate that this variant has a neutral impact on protein structure and function. To our knowledge, functional studies have not been reported for this variant. This variant has not been reported in individuals affected with DSP-related disorders in the literature. This variant has been identified in 2/186636 chromosomes in the general population by the Genome Aggregation Database (gnomAD). The available evidence is insufficient to determine the role of this variant in disease conclusively. Therefore, this variant is classified as a Variant of Uncertain Significance.

Women's Health and Genetics/Laboratory Corporation of America, LabCorp
Classification: Uncertain significance. Last evaluated: 2023-03-27. Review status: criteria provided, single submitter. Criteria: LabCorp Variant Classification Summary - May 2015. Collection method: clinical testing. Allele origin: germline.

CHEO Genetics Diagnostic Laboratory, Children's Hospital of Eastern Ontario
Classification: Uncertain significance for Cardiomyopathy. Last evaluated: 2021-05-05. Review status: criteria provided, single submitter. Criteria: ACMG Guidelines, 2015. Collection method: clinical testing. Allele origin: germline.